The following is an entry in ClinVar:

NM_024409.4(NPPC):c.150G>C (p.Gln50His)

Gene: NPPC (natriuretic peptide C; minus strand). Cytogenetic location: 2q37.1.
Variant type: single nucleotide variant.
Coding change: c.150G>C on transcript NM_024409.4 (MANE Select); coding-DNA position 150, G replaced by C.
Protein change: p.Gln50His; replaces glutamine 50 with histidine.
Molecular consequence: missense variant.
Genome position (GRCh38, 1-based): chr2:231,925,656, C>G on the plus strand (G>C on the coding strand, the complement: NPPC is on the minus strand). VCF-style: chr2-231925656-C-G. GRCh37 (hg19) VCF-style: chr2-232790366-C-G.
Other names: short protein forms Q50H.
Identifiers: ClinVar variation 2920423 (VCV002920423.3), dbSNP rs2106194036, ClinGen allele CA351150274.

ClinVar aggregate classification (germline): Uncertain significance (1 of 4 stars; one submission).

gnomAD v4.1: 1 of 1,602,644 alleles (0.000062%); no homozygotes.

Submission:

Labcorp Genetics (formerly Invitae), Labcorp
Classification: Uncertain significance. Last evaluated: 2023-09-01. Review status: criteria provided, single submitter. Criteria: Invitae Variant Classification Sherloc (09022015). Collection method: clinical testing. Allele origin: germline.
Comment: In summary, the available evidence is currently insufficient to determine the role of this variant in disease. Therefore, it has been classified as a Variant of Uncertain Significance. An algorithm developed to predict the effect of missense changes on protein structure and function (PolyPhen-2) suggests that this variant is likely to be tolerated. This variant has not been reported in the literature in individuals affected with NPPC-related conditions. This variant is not present in population databases (gnomAD no frequency). This sequence change replaces glutamine, which is neutral and polar, with histidine, which is basic and polar, at codon 50 of the NPPC protein (p.Gln50His).